The following is an entry in ClinVar:

NM_001042492.3(NF1):c.4684del (p.Asn1563fs)

Gene: NF1 (neurofibromin 1; plus strand). Cytogenetic location: 17q11.2.
Variant type: Deletion.
Coding change: c.4684del on transcript NM_001042492.3 (MANE Select); coding-DNA position 4684, one base deleted (C; older notation c.4684delC).
Protein change: p.Asn1563fs; shifts the reading frame from asparagine 1563.
Molecular consequence: frameshift variant.
Genome position (GRCh38, 1-based): chr17:31,261,817, C deleted; the last of 2 consecutive C bases (chr17:31,261,816-31,261,817); deleting either gives the same sequence. VCF-style (leftmost placement, unchanged base first): chr17-31261815-GC-G. GRCh37 (hg19) VCF-style: chr17-29588833-GC-G.
Other names: c.4621delC, p.Asn1542Thrfs (NM_000267.4); c.4621delC (NM_000267.3); short protein forms N1563fs, N1542fs.
Identifiers: ClinVar variation 504235 (VCV000504235.8), dbSNP rs1555619041, ClinGen allele CA645582466.

ClinVar aggregate classification (germline): Pathogenic. Review status: criteria provided, multiple submitters, no conflicts (2 of 4 stars). 4 submissions from 4 submitters: Pathogenic (4). Last evaluated 2024-09-14.

Conditions:
Cardiovascular phenotype. Identifiers: MedGen CN230736.
Hereditary cancer-predisposing syndrome. Also called: Hereditary Cancer Syndrome; Tumor predisposition; Neoplastic Syndromes, Hereditary; Hereditary neoplastic syndrome. Identifiers: Orphanet 140162, MedGen C0027672, MeSH D009386, MONDO:0015356.
Neurofibromatosis, type 1 (NF1). Also called: Peripheral type neurofibromatosis; VON RECKLINGHAUSEN DISEASE; NEUROFIBROMATOSIS, TYPE I, SOMATIC; Neurofibromatosis, type I. Identifiers: Orphanet 636, MedGen C0027831, MONDO:0018975, OMIM 162200. Disease mechanism: loss of function.

Submissions (4):

Ambry Genetics
Classification: Pathogenic for Cardiovascular phenotype; Hereditary cancer-predisposing syndrome. Last evaluated: 2024-09-14. Review status: criteria provided, single submitter. Criteria: Ambry Variant Classification Scheme 2023. Collection method: clinical testing. Allele origin: germline.
Comment: The c.4621delC pathogenic mutation, located in coding exon 34 of the NF1 gene, results from a deletion of one nucleotide at nucleotide position 4621, causing a translational frameshift with a predicted alternate stop codon (p.N1542Tfs*11). This variant is considered to be rare based on population cohorts in the Genome Aggregation Database (gnomAD). This alteration is expected to result in loss of function by premature protein truncation or nonsense-mediated mRNA decay. As such, this alteration is interpreted as a disease-causing mutation.

Labcorp Genetics (formerly Invitae), Labcorp
Classification: Pathogenic for Neurofibromatosis, type 1. Last evaluated: 2023-08-20. Review status: criteria provided, single submitter. Criteria: Invitae Variant Classification Sherloc (09022015). Collection method: clinical testing. Allele origin: germline.
Comment: For these reasons, this variant has been classified as Pathogenic. ClinVar contains an entry for this variant (Variation ID: 504235). This premature translational stop signal has been observed in individual(s) with NF1-related conditions (PMID: 21520333). This variant is not present in population databases (gnomAD no frequency). This sequence change creates a premature translational stop signal (p.Asn1542Thrfs*11) in the NF1 gene. It is expected to result in an absent or disrupted protein product. Loss-of-function variants in NF1 are known to be pathogenic (PMID: 10712197, 23913538).

Genome-Nilou Lab
Classification: Pathogenic for Neurofibromatosis, type 1. Last evaluated: 2022-03-15. Review status: criteria provided, single submitter. Criteria: ACMG Guidelines, 2015. Collection method: clinical testing. Allele origin: germline. Affected: no.

GeneDx
Classification: Pathogenic. Last evaluated: 2018-03-05. Review status: criteria provided, single submitter. Criteria: GeneDx Variant Classification (06012015). Collection method: clinical testing. Allele origin: germline. Affected: yes.
Comment: The c.4621delC variant in the NF1 gene causes a frameshift starting with codon Asparagine 1542, changes this amino acid to a Threonine residue and creates a premature Stop codon at position 11 of the new reading frame, denoted p.As1542ThrfsX11. This variant is predicted to cause loss of normal protein function either through protein truncation or nonsense-mediated mRNA decay. This variant is not observed in large population cohorts (Lek et al., 2016).

Literature cited by the submitters: PubMed 21520333 (cited by Labcorp Genetics (formerly Invitae), Labcorp); PubMed 10712197 (cited by Labcorp Genetics (formerly Invitae), Labcorp); PubMed 23913538 (cited by Labcorp Genetics (formerly Invitae), Labcorp).